The following is an entry in ClinVar:

NM_001165963.4(SCN1A):c.964+104_964+110del

Gene: SCN1A (sodium voltage-gated channel alpha subunit 1; minus strand). Cytogenetic location: 2q24.3.
Variant type: Deletion.
Coding change: c.964+104_964+110del on transcript NM_001165963.4 (MANE Select); bases 104 to 110 of the intron after coding-DNA position 964, 7 bases deleted (TGATTAG; older notation c.964+104_964+110delTGATTAG).
Molecular consequence: intron variant.
Genome position (GRCh38, 1-based): chr2:166,051,609-166,051,615, CTAATCA deleted on the plus strand (TGATTAG on the coding strand, the reverse complement: SCN1A is on the minus strand); deleting any 7 consecutive bases within chr2:166,051,609-166,051,616 gives the same sequence; the c. name uses the placement nearest the transcript's 3' end. VCF-style (leftmost placement, unchanged base first): chr2-166051608-GCTAATCA-G. GRCh37 (hg19) VCF-style: chr2-166908118-GCTAATCA-G.
Other names: c.964+104_964+110del (NM_001353949.2, NM_001353958.2, NM_001353950.2 and 10 more transcripts); c.-1462+104_-1462+110del (NM_001353961.2).
Identifiers: ClinVar variation 675918 (VCV000675918.1), dbSNP rs200369264, ClinGen allele CA59801169.
Genomic context (GRCh38, chr2:166,051,608, plus strand): 5'-ATGGTAGGTGTTTCTATATATGGGGTACATGAGATGTTTTGATACAGGCCTGCAATGTGT[GCTAATCA>G]CATCATGTAAAATGGGATATCCAGCCCCTCAAGTATTTATCCTTTGTGTTACAAACAATC-3'

ClinVar aggregate classification (germline): Benign (1 of 4 stars; one submission).

Submission:

GeneDx
Classification: Benign. Last evaluated: 2018-06-19. Review status: criteria provided, single submitter. Criteria: GeneDx Variant Classification (06012015). Collection method: clinical testing. Allele origin: germline. Affected: yes.
Comment: This variant is considered likely benign or benign based on one or more of the following criteria: it is a conservative change, it occurs at a poorly conserved position in the protein, it is predicted to be benign by multiple in silico algorithms, and/or has population frequency not consistent with disease.